The following is an entry in ClinVar:

ClinVar aggregate classification (germline): Pathogenic (1 of 4 stars; one submission).

Conditions:
Osteogenesis imperfecta type III (OI3). Also called: Osteogenesis imperfecta type 3; OI type 3; Osteogenesis imperfecta, progressively deforming with normal sclerae; OI type III; Progressively Deforming Osteogenesis Imperfecta. Identifiers: Orphanet 216812, Orphanet 666, MedGen C0268362, MONDO:0009804, OMIM 259420.

Submission:

MGZ Medical Genetics Center
Classification: Pathogenic for Osteogenesis imperfecta type III. Last evaluated: 2021-09-16. Review status: criteria provided, single submitter. Criteria: ACMG Guidelines, 2015. Collection method: clinical testing. Allele origin: germline. Affected: yes. Observed: 1 variant allele.
Comment: ACMG criteria applied: PM1_STR, PS4_MOD, PM5, PM2_SUP, PP2, PP3

NM_000089.4(COL1A2):c.1018G>C (p.Gly340Arg)

Gene: COL1A2 (collagen type I alpha 2 chain; plus strand). Cytogenetic location: 7q21.3.
Variant type: single nucleotide variant.
Coding change: c.1018G>C on transcript NM_000089.4 (MANE Select); coding-DNA position 1018, G replaced by C.
Protein change: p.Gly340Arg; replaces glycine 340 with arginine.
Molecular consequence: missense variant.
Genome position (GRCh38, 1-based): chr7:94,409,804, G>C. VCF-style: chr7-94409804-G-C. GRCh37 (hg19) VCF-style: chr7-94039116-G-C.
Other names: short protein forms G340R.
Identifiers: ClinVar variation 1709942 (VCV001709942.2), dbSNP rs67180473, ClinGen allele CA162920412.